The following is an entry in ClinVar:

NM_001044385.3(TMEM237):c.1066dup (p.Gln356fs)

Gene: TMEM237 (transmembrane protein 237; minus strand). Cytogenetic location: 2q33.1.
Variant type: Duplication.
Coding change: c.1066dup on transcript NM_001044385.3 (MANE Select); coding-DNA position 1066, one base duplicated (C; older notation c.1066dupC).
Protein change: p.Gln356fs; shifts the reading frame from glutamine 356.
Molecular consequence: frameshift variant.
Genome position (GRCh38, 1-based): chr2:201,626,119, G duplicated on the plus strand (C on the coding strand, the reverse complement: TMEM237 is on the minus strand); the first of 2 consecutive G bases (chr2:201,626,119-201,626,120); duplicating either gives the same sequence. VCF-style (leftmost placement, unchanged base first): chr2-201626118-T-TG. GRCh37 (hg19) VCF-style: chr2-202490841-T-TG.
Other names: c.1042dup, p.Gln348fs (NM_152388.4); c.1066dupC (NM_001044385.3, NM_001044385.2); short protein forms Q348fs, Q356fs.
Identifiers: ClinVar variation 31182 (VCV000031182.15), dbSNP rs751952525, ClinGen allele CA260004.

ClinVar aggregate classification (germline): Conflicting classifications of pathogenicity. Review status: criteria provided, conflicting classifications (1 of 4 stars). 7 submissions from 7 submitters: Pathogenic (2); Likely pathogenic (3); Uncertain significance (1). 1 of the submissions does not count toward it. Last evaluated 2024-11-08.

Conditions:
TMEM237-related disorder. Also called: TMEM237-related condition.
Joubert syndrome 14 (JBTS14). Identifiers: MedGen C3280766, MONDO:0013745, OMIM 614424.

Submissions (7):

Blueprint Genetics
Classification: Likely pathogenic for TMEM237-related disorders. Last evaluated: 2024-11-08. Review status: criteria provided, single submitter. Criteria: ACMG Guidelines, 2015. Collection method: clinical testing. Allele origin: germline. Affected: yes. Observed: 5 variant alleles.

Labcorp Genetics (formerly Invitae), Labcorp
Classification: Uncertain significance for Joubert syndrome 14. Last evaluated: 2024-10-14. Review status: criteria provided, single submitter. Criteria: Invitae Variant Classification Sherloc (09022015). Collection method: clinical testing. Allele origin: germline.
Comment: This sequence change creates a premature translational stop signal (p.Gln356Profs*24) in the TMEM237 gene. While this is not anticipated to result in nonsense mediated decay, it is expected to disrupt the last 53 amino acid(s) of the TMEM237 protein. This variant is present in population databases (rs751952525, gnomAD 0.004%). This premature translational stop signal has been observed in individual(s) with clinical features of TMEM237-related conditions (PMID: 22152675). ClinVar contains an entry for this variant (Variation ID: 31182). Algorithms developed to predict the effect of sequence changes on RNA splicing suggest that this variant may disrupt the consensus splice site. In summary, the available evidence is currently insufficient to determine the role of this variant in disease. Therefore, it has been classified as a Variant of Uncertain Significance.

Fulgent Genetics
Classification: Likely pathogenic for Joubert syndrome 14. Last evaluated: 2024-06-19. Review status: criteria provided, single submitter. Criteria: ACMG Guidelines, 2015. Collection method: clinical testing. Allele origin: germline.

Department of Pathology and Laboratory Medicine, Sinai Health System
Classification: Pathogenic for Joubert syndrome 14. Last evaluated: 2022-09-15. Review status: criteria provided, single submitter. Criteria: ACMG Guidelines, 2015. Collection method: research. Allele origin: germline.

Molecular Genetics, Royal Melbourne Hospital
Classification: Likely pathogenic for Joubert syndrome 14. Last evaluated: 2022-04-22. Review status: criteria provided, single submitter. Criteria: ACMG Guidelines, 2015. Collection method: clinical testing. Allele origin: germline. Affected: yes.
Comment: This sequence change is a duplication of 1 bp in exon 12 (of 13) of TMEM237 that is predicted to create a premature termination codon at position 379 in the predicted nonsense mediated decay resistant zone, p.(Gln356Profs*24). While this is not anticipated to result in nonsense mediated decay, it is expected to remove the last 30 amino acids and alter the amino acids in the helical region in a transmembrane domain. It is unknown if this region is critical for function. The variant is present in a large population cohort at a frequency of 0.002%, which is consistent with a recessive condition (rs751952525, 5/244,030 alleles, 0 homozygotes in gnomAD v2.1). The variant has been identified homozygous and with a second pathogenic allele, in multiple individuals with Joubert syndrome, and segregates with the condition in a single family (PMID: 22152675, UMC Utrecht, Royal Melbourne Hospital). Based on the classification scheme RMH Modified ACMG Guidelines v1.4.0, this variant is classified as LIKELY PATHOGENIC. Following criteria are met: PVS1_Moderate, PM2_Supporting, PM3, PP1.

Victorian Clinical Genetics Services, Murdoch Childrens Research Institute
Classification: Pathogenic for Joubert syndrome 14. Last evaluated: 2022-02-02. Review status: criteria provided, single submitter. Criteria: ACMG Guidelines, 2015. Collection method: clinical testing. Allele origin: germline. Inheritance: Autosomal recessive inheritance.
Comment: Based on the classification scheme VCGS_Germline_v1.3.4, this variant is classified as Pathogenic. Following criteria are met: 0102 - Loss of function is a known mechanism of disease in this gene and is associated with Joubert syndrome 14 (MIM#614424). (I) 0106 - This gene is associated with autosomal recessive disease. (I) 0205 - Variant is predicted to result in a truncated protein (premature termination codon is NOT located at least 54 nucleotides upstream of the final exon-exon junction) with less than 1/3 of the protein sequence affected. (SP) 0251 - This variant is heterozygous. (I) 0304 - Variant is present in gnomAD (v2) <0.01 for a recessive condition (5 heterozygotes, 0 homozygotes). (SP) 0600 - Variant is located in the transmembrane protein 237 domain (NCBI, UniProt). (I) 0705 - No comparable premature termination variants have previous evidence for pathogenicity. (I) 0802 - This variant has moderate previous evidence of pathogenicity in unrelated individuals. It has been reported as homozygous or compound heterozygous in at least 2 patients with Joubert syndrome (PMIDs: 22152675, 23351400 and VCGS). (SP) 0905 - No published segregation evidence has been identified for this variant. (I) 1007 - No published functional evidence has been identified for this variant. (I) 1201 - Heterozygous variant detected in trans with a second pathogenic heterozygous variant (c.52C>T) in a recessive disease. (I) Legend: (SP) - Supporting pathogenic, (I) - Information, (SB) - Supporting benign

OMIM
Classification: Pathogenic for JOUBERT SYNDROME 14. Last evaluated: 2011-12-09. Review status: no assertion criteria provided. Collection method: literature only. Allele origin: germline. Not counted in ClinVar's aggregate classification.

Literature cited by the submitters: PubMed 22152675 (cited by 4 submitters); PubMed 23351400 (cited by Victorian Clinical Genetics Services, Murdoch Childrens Research Institute).